The following is an entry in ClinVar:

ClinVar aggregate classification (germline): Uncertain significance (1 of 4 stars; one submission).

Allele frequency attached by ClinVar (database versions not stated): TOPMed below 0.00001; gnomAD 0.00001.
gnomAD v4.1: 7 of 1,614,024 alleles (0.00043%); highest among the groups gnomAD compares: Non-Finnish European, 0.00059%; no homozygotes.

Submission:

Labcorp Genetics (formerly Invitae), Labcorp
Classification: Uncertain significance. Last evaluated: 2023-05-17. Review status: criteria provided, single submitter. Criteria: Invitae Variant Classification Sherloc (09022015). Collection method: clinical testing. Allele origin: germline.
Comment: In summary, the available evidence is currently insufficient to determine the role of this variant in disease. Therefore, it has been classified as a Variant of Uncertain Significance. Advanced modeling of protein sequence and biophysical properties (such as structural, functional, and spatial information, amino acid conservation, physicochemical variation, residue mobility, and thermodynamic stability) performed at Invitae indicates that this missense variant is not expected to disrupt C1S protein function. This variant has not been reported in the literature in individuals affected with C1S-related conditions. This variant is present in population databases (rs782328294, gnomAD 0.0009%). This sequence change replaces methionine, which is neutral and non-polar, with isoleucine, which is neutral and non-polar, at codon 541 of the C1S protein (p.Met541Ile).

NM_001734.5(C1S):c.1623G>A (p.Met541Ile)

Gene: C1S (complement C1s; plus strand). Cytogenetic location: 12p13.31.
Variant type: single nucleotide variant.
Coding change: c.1623G>A on transcript NM_001734.5 (MANE Select); coding-DNA position 1623, G replaced by A.
Protein change: p.Met541Ile; replaces methionine 541 with isoleucine.
Molecular consequence: missense variant.
Genome position (GRCh38, 1-based): chr12:7,070,207, G>A. VCF-style: chr12-7070207-G-A. GRCh37 (hg19) VCF-style: chr12-7177511-G-A.
Other names: c.1122G>A, p.Met374Ile (NM_001346850.2); c.1623G>A, p.Met541Ile (NM_201442.4); short protein forms M374I, M541I.
Identifiers: ClinVar variation 2853479 (VCV002853479.3), dbSNP rs782328294, ClinGen allele CA6423818.